The following is an entry in ClinVar:

NM_213618.2(DENND2B):c.81-4C>A

Gene: DENND2B (DENN domain containing 2B; minus strand). Cytogenetic location: 11p15.4.
Variant type: single nucleotide variant.
Coding change: c.81-4C>A on transcript NM_213618.2 (MANE Select); 4 bases into the intron before coding-DNA position 81, C replaced by A.
Molecular consequence: intron variant.
Genome position (GRCh38, 1-based): chr11:8,731,213, G>T on the plus strand (C>A on the coding strand, the complement: DENND2B is on the minus strand). VCF-style: chr11-8731213-G-T. GRCh37 (hg19) VCF-style: chr11-8752760-G-T.
Other names: c.81-4C>A (NM_005418.4, NM_001376496.1, NM_001376495.1 and 2 more transcripts); c.81-5004C>A (NM_139157.3, NM_001376504.1, NM_001376503.1 and 2 more transcripts); c.-107-13321C>A (NM_001376505.1); c.-244-5004C>A (NM_001376506.1); c.-460-4C>A (NM_001376499.1); c.-99-4C>A (NM_001376500.1).
Identifiers: ClinVar variation 719913 (VCV000719913.29), dbSNP rs182856766, ClinGen allele CA5874530.

ClinVar aggregate classification (germline): Benign/Likely benign. Review status: criteria provided, multiple submitters, no conflicts (2 of 4 stars). 3 submissions from 3 submitters: Benign (2); Likely benign (1). Last evaluated 2022-11-01.

Allele frequency attached by ClinVar (database versions not stated): 1000 Genomes Project 0.00220; 1000 Genomes Project 30x 0.00234; TOPMed 0.00385; ESP Exome Variant Server 0.00423; gnomAD exomes 0.00468 and 0.00576; gnomAD 0.00471 and 0.00489; ExAC 0.00699.
gnomAD v4.1: 7,017 of 1,485,214 alleles (0.47%); highest among the groups gnomAD compares: Admixed American, 0.58%; 29 homozygotes.

Submissions (3):

CeGaT Center for Human Genetics Tuebingen
Classification: Likely benign. Last evaluated: 2022-11-01. Review status: criteria provided, single submitter. Criteria: CeGaT Center For Human Genetics Tuebingen Variant Classification Criteria Version 2. Collection method: clinical testing. Allele origin: germline. Affected: yes. Observed: 1 variant allele.
Comment: DENND2B: BP4, BS2

Labcorp Genetics (formerly Invitae), Labcorp
Classification: Benign. Last evaluated: 2019-12-31. Review status: criteria provided, single submitter. Criteria: Invitae Variant Classification Sherloc (09022015). Collection method: clinical testing. Allele origin: germline.

Breakthrough Genomics
Classification: Benign. Review status: criteria provided, single submitter. Criteria: ACMG Guidelines, 2015. Collection method: not provided. Allele origin: germline. Inheritance: Unknown mechanism. Affected: yes.